The following is an entry in ClinVar:

NM_004259.7(RECQL5):c.590C>A (p.Pro197Gln)

Gene: RECQL5 (RecQ like helicase 5; minus strand). Cytogenetic location: 17q25.1.
Variant type: single nucleotide variant.
Coding change: c.590C>A on transcript NM_004259.7 (MANE Select); coding-DNA position 590, C replaced by A.
Protein change: p.Pro197Gln; replaces proline 197 with glutamine.
Molecular consequence: missense variant.
Genome position (GRCh38, 1-based): chr17:75,662,660, G>T on the plus strand (C>A on the coding strand, the complement: RECQL5 is on the minus strand). VCF-style: chr17-75662660-G-T. GRCh37 (hg19) VCF-style: chr17-73658740-G-T.
Other names: c.590C>A, p.Pro197Gln (NM_001003715.4, NM_001003716.4); short protein forms P197Q.
Identifiers: ClinVar variation 3052206 (VCV003052206.2), dbSNP rs985107055, ClinGen allele CA294047577.

ClinVar aggregate classification (germline): Uncertain significance (0 of 4 stars; one submission).

Conditions:
RECQL5-related disorder. Also called: RECQL5-related condition.

gnomAD v4.1: 4 of 1,614,158 alleles (0.00025%); highest among the groups gnomAD compares: African/African-American, 0.0027%; no homozygotes.

Submission:

PreventionGenetics, part of Exact Sciences
Classification: Uncertain significance for RECQL5-related condition. Last evaluated: 2023-10-27. Review status: no assertion criteria provided. Collection method: clinical testing. Allele origin: germline.
Comment: The RECQL5 c.590C>A variant is predicted to result in the amino acid substitution p.Pro197Gln. To our knowledge, this variant has not been reported in the literature or in a large population database, indicating this variant is rare. At this time, the clinical significance of this variant is uncertain due to the absence of conclusive functional and genetic evidence.